The following is an entry in ClinVar:

NM_001378328.1(CELSR1):c.6148+6C>T

Gene: CELSR1 (cadherin EGF LAG seven-pass G-type receptor 1; minus strand). Cytogenetic location: 22q13.31.
Variant type: single nucleotide variant.
Coding change: c.6148+6C>T on transcript NM_001378328.1 (MANE Select); 6 bases into the intron after coding-DNA position 6148, C replaced by T.
Molecular consequence: intron variant.
Genome position (GRCh38, 1-based): chr22:46,391,627, G>A on the plus strand (C>T on the coding strand, the complement: CELSR1 is on the minus strand). VCF-style: chr22-46391627-G-A. GRCh37 (hg19) VCF-style: chr22-46787524-G-A.
Other names: c.6148+6C>T (NM_014246.4).
Identifiers: ClinVar variation 3036814 (VCV003036814.2), dbSNP rs780589535, ClinGen allele CA10293949.

ClinVar aggregate classification (germline): Likely benign (0 of 4 stars; one submission).

Conditions:
CELSR1-related disorder. Also called: CELSR1-related condition.

Allele frequency attached by ClinVar (database versions not stated): gnomAD exomes 0.00004; gnomAD 0.00005; TOPMed 0.00009; ExAC 0.00024.
gnomAD v4.1: 67 of 1,590,560 alleles (0.0042%); highest among the groups gnomAD compares: Admixed American, 0.058%; no homozygotes.

Submission:

PreventionGenetics, part of Exact Sciences
Classification: Likely benign for CELSR1-related condition. Last evaluated: 2020-07-27. Review status: no assertion criteria provided. Collection method: clinical testing. Allele origin: germline.
Comment: This variant is classified as likely benign based on ACMG/AMP sequence variant interpretation guidelines (Richards et al. 2015 PMID: 25741868, with internal and published modifications).